The following is an entry in ClinVar:

ClinVar aggregate classification (germline): Pathogenic (0 of 4 stars; one submission).

Conditions:
Primary dilated cardiomyopathy (DCM). Also called: Dilated Cardiomyopathy. Identifiers: Orphanet 217604, MedGen C0007193, MeSH D002311, MONDO:0005021, HP:0001644. Inheritance: Various modes of inheritance.

Submission:

emedgene Technologies
Classification: Pathogenic for Primary dilated cardiomyopathy. Last evaluated: 2016-04-03. Review status: no assertion criteria provided. Collection method: clinical testing. Allele origin: germline. Inheritance: Autosomal recessive inheritance. Affected: yes. Observed: 1 variant allele, 1 compound heterozygote.
Comment: For more information see: Reinstein et al. "Exome sequencing identified biallelic mutations in Filamin C in a family with congenital dilated cardiomyopathy"

NM_001458.4(FLNC):c.[2971C>T];[318C>G]

Variant type: CompoundHeterozygote.
Identifiers: ClinVar variation 427828 (VCV000427828.2).